The following is an entry in ClinVar:

NM_017780.4(CHD7):c.1514A>G (p.Gln505Arg)

Gene: CHD7 (chromodomain helicase DNA binding protein 7; plus strand). Cytogenetic location: 8q12.2.
Variant type: single nucleotide variant.
Coding change: c.1514A>G on transcript NM_017780.4 (MANE Select); coding-DNA position 1514, A replaced by G.
Protein change: p.Gln505Arg; replaces glutamine 505 with arginine.
Molecular consequence: missense variant.
Genome position (GRCh38, 1-based): chr8:60,742,946, A>G. VCF-style: chr8-60742946-A-G. GRCh37 (hg19) VCF-style: chr8-61655505-A-G.
Other names: c.1514A>G, p.Gln505Arg (NM_001316690.1); short protein forms Q505R.
Identifiers: ClinVar variation 1693352 (VCV001693352.2), dbSNP rs1001211309, ClinGen allele CA371303287.
Genomic context (GRCh38, chr8:60,742,946, plus strand): 5'-TTGGAGACCCACAAGCAATCCAGGAACGACTGATACCTGGCCAACAACATCCTGGTCAAC[A>G]GCCATCTTTTCAGCAGTTGCCAACCTGTCCTCCACTGCAGCCTCACCCGGGCTTGCACCA-3'
Protein context (NP_060250.2, residues 495-515): LIPGQQHPGQ[Gln505Arg]PSFQQLPTCP

ClinVar aggregate classification (germline): Uncertain significance (1 of 4 stars; one submission).

Allele frequency attached by ClinVar (database versions not stated): gnomAD exomes below 0.00001.
gnomAD v4.1: 1 of 1,613,530 alleles (0.000062%); highest among the groups gnomAD compares: Non-Finnish European, 0.000085%; no homozygotes.

Submission:

GeneDx
Classification: Uncertain significance. Last evaluated: 2021-12-30. Review status: criteria provided, single submitter. Criteria: GeneDx Variant Classification Process June 2021. Collection method: clinical testing. Allele origin: germline. Affected: yes.
Comment: Not observed at significant frequency in large population cohorts (gnomAD); In silico analysis supports that this missense variant does not alter protein structure/function; Has not been previously published as pathogenic or benign to our knowledge